The following is an entry in ClinVar:

NM_015046.7(SETX):c.4273A>G (p.Lys1425Glu)

Gene: SETX (senataxin; minus strand). Cytogenetic location: 9q34.13.
Variant type: single nucleotide variant.
Coding change: c.4273A>G on transcript NM_015046.7 (MANE Select); coding-DNA position 4273, A replaced by G.
Protein change: p.Lys1425Glu; replaces lysine 1425 with glutamic acid.
Molecular consequence: missense variant.
Genome position (GRCh38, 1-based): chr9:132,327,325, T>C on the plus strand (A>G on the coding strand, the complement: SETX is on the minus strand). VCF-style: chr9-132327325-T-C. GRCh37 (hg19) VCF-style: chr9-135202712-T-C.
Other names: c.4273A>G, p.Lys1425Glu (NM_001351527.2, NM_001351528.2); short protein forms K1425E.
Identifiers: ClinVar variation 155746 (VCV000155746.62), dbSNP rs534886444, ClinGen allele CA233102.

ClinVar aggregate classification (germline): Conflicting classifications of pathogenicity. Review status: criteria provided, conflicting classifications (1 of 4 stars). 14 submissions from 14 submitters: Uncertain significance (7); Benign (2); Likely benign (1). 4 of the submissions do not count toward it. Last evaluated 2026-09-23.

Conditions:
Charcot-Marie-Tooth disease. Also called: Charcot-Marie-Tooth Hereditary Neuropathy; Charcot-Marie-Tooth Neuropathy. Identifiers: Orphanet 166, MedGen C0007959, MONDO:0015626.
SETX-related disorder. Also called: SETX-related condition; SETX-related disorders. Identifiers: MedGen CN239403.
Inborn genetic diseases. Identifiers: MedGen C0950123, MeSH D030342.
Spinocerebellar ataxia, autosomal recessive, with axonal neuropathy 2 (SCAN2). Also called: Ataxia-ocular apraxia-2; Ataxia with Oculomotor Apraxia Type 2; ATAXIA-OCULOMOTOR APRAXIA 2; Ataxia with Oculomotor Apraxia. Identifiers: Orphanet 64753, MedGen C1853761, MONDO:0018996, OMIM 606002.
Amyotrophic lateral sclerosis type 4 (ALS4). Also called: NEURONOPATHY, DISTAL HEREDITARY MOTOR, WITH PYRAMIDAL FEATURES; AMYOTROPHIC LATERAL SCLEROSIS 4, JUVENILE. Identifiers: Orphanet 357043, MedGen C1865409, MONDO:0011223, OMIM 602433.

Allele frequency attached by ClinVar (database versions not stated): ExAC 0.00004; gnomAD exomes 0.00006 and 0.00007; 1000 Genomes Project 30x 0.00016; gnomAD 0.00019 and 0.00020; 1000 Genomes Project 0.00020; TOPMed 0.00032.
gnomAD v4.1: 130 of 1,614,194 alleles (0.0081%); highest among the groups gnomAD compares: Admixed American, 0.043%; no homozygotes.

Submissions (14):

PreventionGenetics, part of Exact Sciences
Classification: Uncertain significance for SETX-related condition. Last evaluated: 2026-09-23. Review status: criteria provided, single submitter. Criteria: ACMG Guidelines, 2015. Collection method: clinical testing. Allele origin: germline.
Comment: The SETX c.4273A>G variant is predicted to result in the amino acid substitution p.Lys1425Glu. This variant has been reported in an individual with amyotrophic lateral sclerosis (ALS, Supplementary Table 1, Lattante et al. 2020. PubMed ID: 32987860) and in a family with peripheral neuropathy (Drew et al 2015. PubMed ID: 25802885). This variant is reported in 0.010% of alleles in individuals of European (Non-Finnish) descent in gnomAD. At this time, the clinical significance of this variant is uncertain due to the absence of conclusive functional and genetic evidence.

GeneDx
Classification: Uncertain significance. Last evaluated: 2026-08-31. Review status: criteria provided, single submitter. Criteria: GeneDx Variant Classification Process June 2021. Collection method: clinical testing. Allele origin: germline.
Comment: In silico analysis suggests that this missense variant does not alter protein structure/function; This variant is associated with the following publications: (PMID: 32987860, 25802885, 27527004)

Labcorp Genetics (formerly Invitae), Labcorp
Classification: Benign for Amyotrophic lateral sclerosis type 4; Spinocerebellar ataxia, autosomal recessive, with axonal neuropathy 2. Last evaluated: 2025-11-30. Review status: criteria provided, single submitter. Criteria: Invitae Variant Classification Sherloc (09022015). Collection method: clinical testing. Allele origin: germline.

CeGaT Center for Human Genetics Tuebingen
Classification: Uncertain significance. Last evaluated: 2025-09-01. Review status: criteria provided, single submitter. Criteria: CeGaT Center For Human Genetics Tuebingen Variant Classification Criteria Version 2. Collection method: clinical testing. Allele origin: germline. Affected: yes. Observed: 4 variant alleles.
Comment: SETX: PM2, BP4

Women's Health and Genetics/Laboratory Corporation of America, LabCorp
Classification: Likely benign. Last evaluated: 2025-03-25. Review status: criteria provided, single submitter. Criteria: LabCorp Variant Classification Summary - May 2015. Collection method: clinical testing. Allele origin: germline.
Comment: Variant summary: SETX c.4273A>G (p.Lys1425Glu) results in a conservative amino acid change in the encoded protein sequence. Five of five in-silico tools predict a benign effect of the variant on protein function. The variant allele was found at a frequency of 8.1e-05 in 1614194 control chromosomes. The observed variant frequency is approximately 128.86 fold of the estimated maximal expected allele frequency for a pathogenic variant in SETX causing Amyotrophic lateral sclerosis type 4 phenotype (6.3e-07). c.4273A>G has been reported in the literature in individuals affected with clinical features of SETX-related conditions (e.g., Drew_2015, Lattante_2020). However, these report(s) do not provide unequivocal conclusions about association of the variant with SETX-related conditions. To our knowledge, no experimental evidence demonstrating an impact on protein function has been reported. The following publications have been ascertained in the context of this evaluation (PMID: 25802885, 32987860). ClinVar contains an entry for this variant (Variation ID: 155746). Based on the evidence outlined above, the variant was classified as likely benign.

Blueprint Genetics
Classification: Uncertain significance. Last evaluated: 2024-08-22. Review status: criteria provided, single submitter. Criteria: ACMG Guidelines, 2015. Collection method: clinical testing. Allele origin: germline.

Department of Pathology and Laboratory Medicine, Sinai Health System
Classification: Uncertain significance for Amyotrophic lateral sclerosis type 4; Spinocerebellar ataxia, autosomal recessive, with axonal neuropathy 2. Last evaluated: 2023-06-20. Review status: criteria provided, single submitter. Criteria: ACMG Guidelines, 2015. Collection method: research. Allele origin: germline.

Ambry Genetics
Classification: Uncertain significance for Inborn genetic diseases. Last evaluated: 2022-05-12. Review status: criteria provided, single submitter. Criteria: Ambry Variant Classification Scheme 2023. Collection method: clinical testing. Allele origin: germline.
Comment: The p.K1425E variant (also known as c.4273A>G), located in coding exon 8 of the SETX gene, results from an A to G substitution at nucleotide position 4273. The lysine at codon 1425 is replaced by glutamic acid, an amino acid with similar properties. This amino acid position is poorly conserved in available vertebrate species. In addition, this alteration is predicted to be tolerated by in silico analysis. Since supporting evidence is limited at this time, the clinical significance of this alteration remains unclear.

Athena Diagnostics
Classification: Uncertain significance. Last evaluated: 2020-02-19. Review status: criteria provided, single submitter. Criteria: Athena Diagnostics Criteria. Collection method: clinical testing. Allele origin: unknown.

Mendelics
Classification: Benign for Amyotrophic lateral sclerosis type 4. Last evaluated: 2019-05-28. Review status: criteria provided, single submitter. Criteria: Mendelics Assertion Criteria 2017. Collection method: clinical testing. Allele origin: unknown.

Clinical Genetics DNA and cytogenetics Diagnostics Lab, Erasmus MC, Erasmus Medical Center
Classification: Likely benign. Review status: no assertion criteria provided. Collection method: clinical testing. Allele origin: germline. Affected: yes. Study: VKGL Data-share Consensus. Not counted in ClinVar's aggregate classification.

Genome Diagnostics Laboratory, Amsterdam University Medical Center
Classification: Likely benign. Review status: no assertion criteria provided. Collection method: clinical testing. Allele origin: germline. Affected: yes. Study: VKGL Data-share Consensus. Not counted in ClinVar's aggregate classification.

Inherited Neuropathy Consortium
Classification: Uncertain significance for Charcot-Marie-Tooth disease. Review status: no assertion criteria provided. Collection method: literature only. Allele origin: germline. Affected: yes. Not counted in ClinVar's aggregate classification.

Northcott Neuroscience Laboratory, ANZAC Research Institute
Classification: Likely benign. Review status: no assertion criteria provided. Collection method: not provided. Allele origin: germline. Not counted in ClinVar's aggregate classification.
Comment: Family U
ClinVar note: Converted during submission from probable-non-pathogenic to Likely benign.

Literature cited by the submitters: PubMed 25802885 (cited by 3 submitters); PubMed 32987860 (cited by Women's Health and Genetics/Laboratory Corporation of America, LabCorp).